The following is an entry in ClinVar:

NM_000465.4(BARD1):c.2213T>C (p.Ile738Thr)

Gene: BARD1 (BRCA1 associated RING domain 1; minus strand). Cytogenetic location: 2q35.
Variant type: single nucleotide variant.
Coding change: c.2213T>C on transcript NM_000465.4 (MANE Select); coding-DNA position 2213, T replaced by C.
Protein change: p.Ile738Thr; replaces isoleucine 738 with threonine.
Molecular consequence: missense variant. On other transcripts: non-coding transcript variant (3).
Genome position (GRCh38, 1-based): chr2:214,728,797, A>G on the plus strand (T>C on the coding strand, the complement: BARD1 is on the minus strand). VCF-style: chr2-214728797-A-G. GRCh37 (hg19) VCF-style: chr2-215593521-A-G.
Other names: c.2156T>C, p.Ile719Thr (NM_001282543.2); c.860T>C, p.Ile287Thr (NM_001282545.2); c.803T>C, p.Ile268Thr (NM_001282548.2); c.674T>C, p.Ile225Thr (NM_001282549.2); short protein forms I225T, I268T, I287T, I719T, I738T.
Identifiers: ClinVar variation 3604318 (VCV003604318.2).
Genomic context (GRCh38, chr2:214,728,797, plus strand): 5'-GCCTTCCAGACTTTGCCCTGCCGAACCCTCTCTGGGTGATAATTACACAAATCTTCATAG[A>G]TGATATACTGTGTGCAGAAGCGCTGATCAGAATCGGGTCTCGCATGGTATGCGACTGTAT-3'
Protein context (NP_000456.2, residues 728-748): SDQRFCTQYI[Ile738Thr]YEDLCNYHPE

ClinVar aggregate classification (germline): Uncertain significance (1 of 4 stars; one submission).

Conditions:
Familial cancer of breast. Also called: Hereditary breast cancer; BREAST CANCER, FAMILIAL; hereditary breast carcinoma. Identifiers: Orphanet 227535, MedGen C0346153, MONDO:0016419, OMIM 114480. Disease mechanism: loss of function.

Submission:

Labcorp Genetics (formerly Invitae), Labcorp
Classification: Uncertain significance for Familial cancer of breast. Last evaluated: 2024-11-27. Review status: criteria provided, single submitter. Criteria: Invitae Variant Classification Sherloc (09022015). Collection method: clinical testing. Allele origin: germline.
Comment: This sequence change replaces isoleucine, which is neutral and non-polar, with threonine, which is neutral and polar, at codon 738 of the BARD1 protein (p.Ile738Thr). This variant is not present in population databases (gnomAD no frequency). This variant has not been reported in the literature in individuals affected with BARD1-related conditions. An algorithm developed to predict the effect of missense changes on protein structure and function (PolyPhen-2) suggests that this variant is likely to be disruptive. In summary, the available evidence is currently insufficient to determine the role of this variant in disease. Therefore, it has been classified as a Variant of Uncertain Significance.